The following is an entry in ClinVar:

ClinVar aggregate classification (germline): Conflicting classifications of pathogenicity. Review status: criteria provided, conflicting classifications (1 of 4 stars). 5 submissions from 5 submitters: Uncertain significance (2); Likely benign (3). Last evaluated 2026-06-26.

Conditions:
Osteogenesis imperfecta type I (OI1). Also called: Classic Non-deforming Osteogenesis Imperfecta with Blue Sclerae; OI, TYPE I; OSTEOGENESIS IMPERFECTA TARDA; OSTEOGENESIS IMPERFECTA WITH BLUE SCLERAE; Osteogenesis imperfecta type 1; Lobstein's Disease. Identifiers: Orphanet 216796, Orphanet 666, MedGen C0023931, MONDO:0008146, OMIM 166200. Disease mechanism: loss of function.
Cardiovascular phenotype. Identifiers: MedGen CN230736.

Allele frequency attached by ClinVar (database versions not stated): TOPMed below 0.00001; ExAC 0.00001.

Submissions (5):

Women's Health and Genetics/Laboratory Corporation of America, LabCorp
Classification: Uncertain significance. Last evaluated: 2026-06-26. Review status: criteria provided, single submitter. Criteria: LabCorp Variant Classification Summary - May 2015. Collection method: clinical testing. Allele origin: germline.

Ambry Genetics
Classification: Likely benign for Cardiovascular phenotype. Last evaluated: 2025-12-29. Review status: criteria provided, single submitter. Criteria: Ambry Variant Classification Scheme 2023. Collection method: clinical testing. Allele origin: germline.

Labcorp Genetics (formerly Invitae), Labcorp
Classification: Likely benign for Osteogenesis imperfecta type I. Last evaluated: 2025-11-24. Review status: criteria provided, single submitter. Criteria: Invitae Variant Classification Sherloc (09022015). Collection method: clinical testing. Allele origin: germline.

CeGaT Center for Human Genetics Tuebingen
Classification: Likely benign. Last evaluated: 2025-08-01. Review status: criteria provided, single submitter. Criteria: CeGaT Center For Human Genetics Tuebingen Variant Classification Criteria Version 2. Collection method: clinical testing. Allele origin: germline. Affected: yes. Observed: 1 variant allele.
Comment: COL1A1: BP4

Blueprint Genetics
Classification: Uncertain significance. Last evaluated: 2023-12-08. Review status: criteria provided, single submitter. Criteria: ACMG Guidelines, 2015. Collection method: clinical testing. Allele origin: germline.

NM_000088.4(COL1A1):c.3995A>G (p.Asp1332Gly)

Gene: COL1A1 (collagen type I alpha 1 chain; minus strand). Cytogenetic location: 17q21.33.
Variant type: single nucleotide variant.
Coding change: c.3995A>G on transcript NM_000088.4 (MANE Select); coding-DNA position 3995, A replaced by G.
Protein change: p.Asp1332Gly; replaces aspartic acid 1332 with glycine.
Molecular consequence: missense variant.
Genome position (GRCh38, 1-based): chr17:50,186,327, T>C on the plus strand (A>G on the coding strand, the complement: COL1A1 is on the minus strand). VCF-style: chr17-50186327-T-C. GRCh37 (hg19) VCF-style: chr17-48263688-T-C.
Other names: short protein forms D1332G.
Identifiers: ClinVar variation 2741156 (VCV002741156.13), dbSNP rs747464024, ClinGen allele CA8644299.